The following is an entry in ClinVar:

NM_001042492.3(NF1):c.6919A>T (p.Lys2307Ter)

Gene: NF1 (neurofibromin 1; plus strand). Cytogenetic location: 17q11.2.
Variant type: single nucleotide variant.
Coding change: c.6919A>T on transcript NM_001042492.3 (MANE Select); coding-DNA position 6919, A replaced by T.
Protein change: p.Lys2307Ter; replaces lysine 2307 with a stop codon.
Molecular consequence: nonsense.
Genome position (GRCh38, 1-based): chr17:31,338,803, A>T. VCF-style: chr17-31338803-A-T. GRCh37 (hg19) VCF-style: chr17-29665821-A-T.
Other names: c.6856A>T, p.Lys2286Ter (NM_000267.4); short protein forms K2286*, K2307*.
Identifiers: ClinVar variation 3657755 (VCV003657755.3).

ClinVar aggregate classification (germline): Pathogenic/Likely pathogenic. Review status: criteria provided, multiple submitters, no conflicts (2 of 4 stars). 2 submissions from 2 submitters: Pathogenic (1); Likely pathogenic (1). Last evaluated 2024-06-25.

Conditions:
Neurofibromatosis, type 1 (NF1). Also called: Neurofibromatosis, type I; Peripheral type neurofibromatosis; VON RECKLINGHAUSEN DISEASE; NEUROFIBROMATOSIS, TYPE I, SOMATIC. Identifiers: Orphanet 636, MedGen C0027831, MONDO:0018975, OMIM 162200. Disease mechanism: loss of function.
NF1-related disorder. Also called: NF1-related condition. Identifiers: MedGen CN379171.

Submissions (2):

Labcorp Genetics (formerly Invitae), Labcorp
Classification: Pathogenic for Neurofibromatosis, type 1. Last evaluated: 2024-06-25. Review status: criteria provided, single submitter. Criteria: Invitae Variant Classification Sherloc (09022015). Collection method: clinical testing. Allele origin: germline.
Comment: This sequence change creates a premature translational stop signal (p.Lys2286*) in the NF1 gene. RNA analysis indicates that this premature translational stop signal induces altered splicing and may result in an absent or disrupted protein product. This variant is not present in population databases (gnomAD no frequency). This variant has not been reported in the literature in individuals affected with NF1-related conditions. Studies have shown that this premature translational stop signal results in skipping of exon 45 and introduces a premature termination codon (Invitae). The resulting mRNA is expected to undergo nonsense-mediated decay. This variant disrupts a region of the NF1 protein in which other variant(s) (p.Pro2261Leu) have been determined to be pathogenic (PMID: 29618358; Invitae; external communication). This suggests that this is a clinically significant region of the protein, and that variants that disrupt it are likely to be disease-causing. For these reasons, this variant has been classified as Pathogenic.

Blueprint Genetics
Classification: Likely pathogenic for NF1-related disorders. Last evaluated: 2020-02-28. Review status: criteria provided, single submitter. Criteria: ACMG Guidelines, 2015. Collection method: clinical testing. Allele origin: germline. Affected: yes. Observed: 5 variant alleles.

Literature cited by the submitters: PubMed 29618358 (cited by Labcorp Genetics (formerly Invitae), Labcorp).